The following is an entry in ClinVar:

ClinVar aggregate classification (germline): Likely pathogenic (1 of 4 stars; one submission).

Conditions:
Infantile cerebral and cerebellar atrophy with postnatal progressive microcephaly (MSBA). Identifiers: Orphanet 402364, MedGen C3150921, MONDO:0013351, OMIM 613668.

Submission:

Natera, Inc.
Classification: Likely pathogenic for Postnatal progressive microcephaly with seizures and brain atrophy. Last evaluated: 2025-11-03. Review status: criteria provided, single submitter. Criteria: Natera Variant Classification Schema (03/2026). Collection method: clinical testing. Allele origin: germline.
Comment: The c.1386del variant in MED17 is a frameshift variant predicted to shift the reading frame beginning at codon 463 and leads to a stop codon 13 codons downstream. This variant is expected to result in nonsense mediated decay, truncation, or a dysfunctional protein product. This variant is rare in the general population with a frequency below the threshold expected for the associated phenotype(s). Given the available evidence, this variant is classified as Likely Pathogenic.

NM_004268.5(MED17):c.1386del (p.His463fs)

Gene: MED17 (mediator complex subunit 17; plus strand). Cytogenetic location: 11q21.
Variant type: Deletion.
Coding change: c.1386del on transcript NM_004268.5 (MANE Select); coding-DNA position 1386, one base deleted (T; older notation c.1386delT).
Protein change: p.His463fs; shifts the reading frame from histidine 463.
Molecular consequence: frameshift variant.
Genome position (GRCh38, 1-based): chr11:93,801,892, T deleted. VCF-style (leftmost placement, unchanged base first): chr11-93801891-CT-C. GRCh37 (hg19) VCF-style: chr11-93535057-CT-C.
Other names: short protein forms H463fs.
Identifiers: ClinVar variation 4815331 (VCV004815331.1).
Genomic context (GRCh38, chr11:93,801,891, plus strand): 5'-AAAGAGCTGCTGCAACCATTGACAGCTTAGCAAGCCGAATTGAGGATCCTCAGATACAGG[CT>C]CATTGGTCAAATATCAATGATGTTTATGAATCTAGTGTGAAAGTTTTAATCACATCACAA-3'